The following is an entry in ClinVar:

ClinVar aggregate classification (germline): Uncertain significance (1 of 4 stars; one submission).

Conditions:
Multiple endocrine neoplasia, type 2 (MEN2). Identifiers: Orphanet 653, MedGen C4048306, MONDO:0019003. Disease mechanism: gain of function.

Submission:

Labcorp Genetics (formerly Invitae), Labcorp
Classification: Uncertain significance for Multiple endocrine neoplasia, type 2. Last evaluated: 2022-01-17. Review status: criteria provided, single submitter. Criteria: Invitae Variant Classification Sherloc (09022015). Collection method: clinical testing. Allele origin: germline.
Comment: In summary, the available evidence is currently insufficient to determine the role of this variant in disease. Therefore, it has been classified as a Variant of Uncertain Significance. Algorithms developed to predict the effect of missense changes on protein structure and function are either unavailable or do not agree on the potential impact of this missense change (SIFT: "Deleterious"; PolyPhen-2: "Probably Damaging"; Align-GVGD: "Class C0"). This variant has not been reported in the literature in individuals affected with RET-related conditions. This variant is not present in population databases (gnomAD no frequency). This sequence change replaces leucine, which is neutral and non-polar, with phenylalanine, which is neutral and non-polar, at codon 846 of the RET protein (p.Leu846Phe).

NM_020975.6(RET):c.2536C>T (p.Leu846Phe)

Gene: RET (ret proto-oncogene; plus strand). Cytogenetic location: 10q11.21.
Variant type: single nucleotide variant.
Coding change: c.2536C>T on transcript NM_020975.6 (MANE Select); coding-DNA position 2536, C replaced by T.
Protein change: p.Leu846Phe; replaces leucine 846 with phenylalanine.
Molecular consequence: missense variant.
Genome position (GRCh38, 1-based): chr10:43,119,674, C>T. VCF-style: chr10-43119674-C-T. GRCh37 (hg19) VCF-style: chr10-43615122-C-T.
Other names: c.2536C>T, p.Leu846Phe (NM_000323.2, NM_001406743.1, NM_001406744.1 and 4 more transcripts); c.1774C>T, p.Leu592Phe (NM_001355216.2); c.2407C>T, p.Leu803Phe (NM_001406761.1, NM_001406762.1, NM_001406764.1); c.2401C>T, p.Leu801Phe (NM_001406763.1, NM_001406765.1); c.2248C>T, p.Leu750Phe (NM_001406766.1, NM_001406767.1, NM_001406770.1); c.2272C>T, p.Leu758Phe (NM_001406768.1); c.2140C>T, p.Leu714Phe (NM_001406769.1, NM_001406772.1); c.2098C>T, p.Leu700Phe (NM_001406771.1, NM_001406773.1); and 10 more; short protein forms L363F, L758F, L803F, L411F, L451F, L516F, L700F, L801F.
Identifiers: ClinVar variation 2087222 (VCV002087222.4), dbSNP rs771150081, ClinGen allele CA376556489.
Genomic context (GRCh38, chr10:43,119,674, plus strand): 5'-TACCTGGGCAGTGGAGGCAGCCGCAACTCCAGCTCCCTGGACCACCCGGATGAGCGGGCC[C>T]TCACCATGGGCGACCTCATCTCATTTGCCTGGCAGATCTCACAGGGGATGCAGTATCTGG-3'
Protein context (NP_066124.1, residues 836-856): SSLDHPDERA[Leu846Phe]TMGDLISFAW